The following is an entry in ClinVar:

NM_001928.4(CFD):c.265G>C (p.Glu89Gln)

Gene: CFD (complement factor D; plus strand). Cytogenetic location: 19p13.3.
Variant type: single nucleotide variant.
Coding change: c.265G>C on transcript NM_001928.4 (MANE Select); coding-DNA position 265, G replaced by C.
Protein change: p.Glu89Gln; replaces glutamic acid 89 with glutamine.
Molecular consequence: missense variant.
Genome position (GRCh38, 1-based): chr19:860,913, G>C. VCF-style: chr19-860913-G-C. GRCh37 (hg19) VCF-style: chr19-860913-G-C.
Other names: c.286G>C, p.Glu96Gln (NM_001317335.2); short protein forms E89Q, E96Q.
Identifiers: ClinVar variation 1441428 (VCV001441428.6), dbSNP rs371606125, ClinGen allele CA9026281.
Genomic context (GRCh38, chr19:860,913, plus strand): 5'-GTCCCCAGGGCCGACGGGAAGGTGCAGGTTCTCCTGGGCGCGCACTCCCTGTCGCAGCCG[G>C]AGCCCTCCAAGCGCCTGTACGACGTGCTCCGCGCAGTGCCCCACCCGGACAGCCAGCCCG-3'
Protein context (NP_001919.2, residues 79-99): LLGAHSLSQP[Glu89Gln]PSKRLYDVLR

ClinVar aggregate classification (germline): Uncertain significance (1 of 4 stars; one submission).

Allele frequency attached by ClinVar (database versions not stated): gnomAD exomes below 0.00001; ExAC 0.00002; ESP Exome Variant Server 0.00008.

Submission:

Labcorp Genetics (formerly Invitae), Labcorp
Classification: Uncertain significance. Last evaluated: 2021-10-16. Review status: criteria provided, single submitter. Criteria: Invitae Variant Classification Sherloc (09022015). Collection method: clinical testing. Allele origin: germline.
Comment: Algorithms developed to predict the effect of missense changes on protein structure and function are either unavailable or do not agree on the potential impact of this missense change (SIFT: "Not Available"; PolyPhen-2: "Benign"; Align-GVGD: "Not Available"). In summary, the available evidence is currently insufficient to determine the role of this variant in disease. Therefore, it has been classified as a Variant of Uncertain Significance. This variant has not been reported in the literature in individuals affected with CFD-related conditions. This sequence change replaces glutamic acid with glutamine at codon 89 of the CFD protein (p.Glu89Gln). The glutamic acid residue is highly conserved and there is a small physicochemical difference between glutamic acid and glutamine. This variant is present in population databases (rs371606125, ExAC 0.003%).